The following is an entry in ClinVar:

ClinVar aggregate classification (germline): Uncertain significance (1 of 4 stars; one submission).

Conditions:
Conotruncal heart malformations (CTHM). Also called: Conotruncal heart malformations, variable. Identifiers: Orphanet 2445, Orphanet 3384, Orphanet 3426, MedGen C1857586, MONDO:0016581, OMIM 217095.

gnomAD v4.1: 6 of 1,548,802 alleles (0.00039%); highest among the groups gnomAD compares: African/African-American, 0.0055%; no homozygotes.

Submission:

Labcorp Genetics (formerly Invitae), Labcorp
Classification: Uncertain significance for Conotruncal heart malformations. Last evaluated: 2023-01-19. Review status: criteria provided, single submitter. Criteria: Invitae Variant Classification Sherloc (09022015). Collection method: clinical testing. Allele origin: germline.
Comment: In summary, the available evidence is currently insufficient to determine the role of this variant in disease. Therefore, it has been classified as a Variant of Uncertain Significance. Advanced modeling of protein sequence and biophysical properties (such as structural, functional, and spatial information, amino acid conservation, physicochemical variation, residue mobility, and thermodynamic stability) performed at Invitae indicates that this missense variant is expected to disrupt NKX2-6 protein function. This variant has not been reported in the literature in individuals affected with NKX2-6-related conditions. This variant is not present in population databases (gnomAD no frequency). This sequence change replaces phenylalanine, which is neutral and non-polar, with leucine, which is neutral and non-polar, at codon 139 of the NKX2-6 protein (p.Phe139Leu).

NM_001136271.3(NKX2-6):c.415T>C (p.Phe139Leu)

Gene: NKX2-6 (NK2 homeobox 6; minus strand). Cytogenetic location: 8p21.2.
Variant type: single nucleotide variant.
Coding change: c.415T>C on transcript NM_001136271.3 (MANE Select); coding-DNA position 415, T replaced by C.
Protein change: p.Phe139Leu; replaces phenylalanine 139 with leucine.
Molecular consequence: missense variant.
Genome position (GRCh38, 1-based): chr8:23,702,942, A>G on the plus strand (T>C on the coding strand, the complement: NKX2-6 is on the minus strand). VCF-style: chr8-23702942-A-G. GRCh37 (hg19) VCF-style: chr8-23560455-A-G.
Other names: short protein forms F139L.
Identifiers: ClinVar variation 2742621 (VCV002742621.3), dbSNP rs913676984, ClinGen allele CA174010916.
Genomic context (GRCh38, chr8:23,702,942, plus strand): 5'-CTGACAGGTACCGCTGCTGCTTGAAGCGCCGCTCCAGGGCCAGCACCTGCGCCTGCGAAA[A>G]GAGCACGCGCGGCTTCCGTCGTTGCCGCGCCTTGGGCTGCTCCGAGCGGCCACCCCGCAC-3'
Protein context (NP_001129743.2, residues 129-149): ARQRRKPRVL[Phe139Leu]SQAQVLALER